The following is an entry in ClinVar:

ClinVar aggregate classification (germline): Benign/Likely benign. Review status: criteria provided, multiple submitters, no conflicts (2 of 4 stars). 3 submissions from 3 submitters: Benign (1); Likely benign (1). 1 of the submissions does not count toward it. Last evaluated 2024-10-09.

Conditions:
CIDEC-related disorder. Also called: CIDEC-related condition.

Allele frequency attached by ClinVar (database versions not stated): gnomAD exomes 0.00024 and 0.00087; gnomAD 0.00035 and 0.00050; TOPMed 0.00045; ExAC 0.00083; 1000 Genomes Project 30x 0.00359; 1000 Genomes Project 0.00379.
gnomAD v4.1: 463 of 1,614,144 alleles (0.029%); highest among the groups gnomAD compares: East Asian, 0.47%; 3 homozygotes.

Submissions (3):

Blueprint Genetics
Classification: Likely benign. Last evaluated: 2024-10-09. Review status: criteria provided, single submitter. Criteria: ACMG Guidelines, 2015. Collection method: clinical testing. Allele origin: germline.

Labcorp Genetics (formerly Invitae), Labcorp
Classification: Benign. Last evaluated: 2018-04-02. Review status: criteria provided, single submitter. Criteria: Invitae Variant Classification Sherloc (09022015). Collection method: clinical testing. Allele origin: germline.

PreventionGenetics, part of Exact Sciences
Classification: Benign for CIDEC-related condition. Last evaluated: 2019-12-06. Review status: no assertion criteria provided. Collection method: clinical testing. Allele origin: germline. Not counted in ClinVar's aggregate classification.
Comment: This variant is classified as benign based on ACMG/AMP sequence variant interpretation guidelines (Richards et al. 2015 PMID: 25741868, with internal and published modifications).

NM_001321142.2(CIDEC):c.603A>G (p.Val201=)

Gene: CIDEC (cell death inducing DFFA like effector c; minus strand). Cytogenetic location: 3p25.3.
Variant type: single nucleotide variant.
Coding change: c.603A>G on transcript NM_001321142.2 (MANE Select); coding-DNA position 603, A replaced by G.
Protein change: p.Val201=; no amino-acid change (valine 201 retained).
Molecular consequence: synonymous variant.
Genome position (GRCh38, 1-based): chr3:9,867,248, T>C on the plus strand (A>G on the coding strand, the complement: CIDEC is on the minus strand). VCF-style: chr3-9867248-T-C. GRCh37 (hg19) VCF-style: chr3-9908932-T-C.
Other names: c.633A>G, p.Val211= (NM_001199551.2); c.603A>G, p.Val201= (NM_001199552.2, NM_001378491.1, NM_022094.3); c.642A>G, p.Val214= (NM_001199623.2); c.381A>G, p.Val127= (NM_001321143.2, NM_001321144.2).
Identifiers: ClinVar variation 726948 (VCV000726948.6), dbSNP rs201404178, ClinGen allele CA2245530.